The following is an entry in ClinVar:

ClinVar aggregate classification (germline): Uncertain significance. Review status: criteria provided, multiple submitters, no conflicts (2 of 4 stars). 4 submissions from 4 submitters: Uncertain significance (4). Last evaluated 2025-12-26.

Conditions:
Cardiomyopathy (CMYO). Also called: Cardiomyopathies. Identifiers: Orphanet 167848, MedGen C0878544, MONDO:0004994, HP:0001638. Inheritance: Various modes of inheritance.

Allele frequency attached by ClinVar (database versions not stated): TOPMed 0.00004; ESP Exome Variant Server 0.00016.
gnomAD v4.1: 47 of 1,612,790 alleles (0.0029%); highest among the groups gnomAD compares: South Asian, 0.0044%; no homozygotes.

Submissions (4):

Women's Health and Genetics/Laboratory Corporation of America, LabCorp
Classification: Uncertain significance. Last evaluated: 2025-12-26. Review status: criteria provided, single submitter. Criteria: LabCorp Variant Classification Summary - May 2015. Collection method: clinical testing. Allele origin: germline.

CHEO Genetics Diagnostic Laboratory, Children's Hospital of Eastern Ontario
Classification: Uncertain significance for Cardiomyopathy. Last evaluated: 2021-09-01. Review status: criteria provided, single submitter. Criteria: ACMG Guidelines, 2015. Collection method: clinical testing. Allele origin: germline.

Eurofins Ntd Llc (ga)
Classification: Uncertain significance. Last evaluated: 2018-06-20. Review status: criteria provided, single submitter. Criteria: EGL ClinVar v180209 classification definitions. Collection method: clinical testing. Allele origin: germline. Observed: 2 variant alleles, 2 heterozygotes.

Laboratory for Molecular Medicine, Mass General Brigham Personalized Medicine
Classification: Uncertain significance. Last evaluated: 2014-05-01. Review status: criteria provided, single submitter. Criteria: LMM Criteria. Collection method: clinical testing. Allele origin: germline. Observed: 1 variant allele.
Comment: The Asp12216Asn variant in TTN has not been previously reported in individuals w ith cardiomyopathy, but has been identified in 2/8360 European American chromoso mes by the NHLBI Exome Sequencing Project. C omputational prediction tools and conservation analysis do not provide strong su pport for or against an impact to the protein. Additional information is needed to fully assess the clinical significance of the Asp12216Asn variant.

NM_001267550.2(TTN):c.44350G>A (p.Asp14784Asn)

Gene: TTN (titin; minus strand). Cytogenetic location: 2q31.2.
Variant type: single nucleotide variant.
Coding change: c.44350G>A on transcript NM_001267550.2 (MANE Select); coding-DNA position 44350, G replaced by A.
Protein change: p.Asp14784Asn; replaces aspartic acid 14784 with asparagine.
Molecular consequence: missense variant.
Genome position (GRCh38, 1-based): chr2:178,629,375, C>T on the plus strand (G>A on the coding strand, the complement: TTN is on the minus strand). VCF-style: chr2-178629375-C-T. GRCh37 (hg19) VCF-style: chr2-179494102-C-T.
Other names: c.36646G>A, p.Asp12216Asn (NM_133378.4); c.39427G>A, p.Asp13143Asn (NM_001256850.1); c.17155G>A, p.Asp5719Asn (NM_003319.4); c.17530G>A, p.Asp5844Asn (NM_133432.3); c.17731G>A, p.Asp5911Asn (NM_133437.4); short protein forms D12216N, D14784N, D5844N, D5911N, D13143N, D5719N.
Identifiers: ClinVar variation 179049 (VCV000179049.12), dbSNP rs72677216, ClinGen allele CA183618.